The following is an entry in ClinVar:

NM_032409.3(PINK1):c.558G>C (p.Lys186Asn)

Gene: PINK1 (PTEN induced kinase 1; plus strand). Cytogenetic location: 1p36.12.
Variant type: single nucleotide variant.
Coding change: c.558G>C on transcript NM_032409.3 (MANE Select); coding-DNA position 558, G replaced by C.
Protein change: p.Lys186Asn; replaces lysine 186 with asparagine.
Molecular consequence: missense variant.
Genome position (GRCh38, 1-based): chr1:20,638,012, G>C. VCF-style: chr1-20638012-G-C. GRCh37 (hg19) VCF-style: chr1-20964505-G-C.
Other names: c.558G>C (NM_032409.2); short protein forms K186N.
Identifiers: ClinVar variation 1169544 (VCV001169544.46), dbSNP rs143204084, ClinGen allele CA660454.
Genomic context (GRCh38, chr1:20,638,012, plus strand): 5'-CAGTGCTGCTGTGTATGAAGCCACCATGCCTACATTGCCCCAGAACCTGGAGGTGACAAA[G>C]AGCACCGGGTTGCTTCCAGGGAGAGGCCCAGGTACCAGTGCACCAGGAGAAGGGCAGGAG-3'
Protein context (NP_115785.1, residues 176-196): PTLPQNLEVT[Lys186Asn]STGLLPGRGP

ClinVar aggregate classification (germline): Conflicting classifications of pathogenicity. Review status: criteria provided, conflicting classifications (1 of 4 stars). 5 submissions from 5 submitters: Uncertain significance (2); Benign (2); Likely benign (1). Last evaluated 2026-06-01.

Conditions:
Autosomal recessive early-onset Parkinson disease 6 (PARK6). Also called: PINK1 Type of Young-Onset Parkinson Disease; PINK1-Related Parkinson Disease; PARKINSON DISEASE 6, MODIFIER OF; PARKINSON DISEASE 6, EARLY-ONSET. Identifiers: Orphanet 2828, MedGen C1853833, MONDO:0011613, OMIM 605909.

Allele frequency attached by ClinVar (database versions not stated): TOPMed 0.00015; 1000 Genomes Project 30x 0.00016; 1000 Genomes Project 0.00020; gnomAD exomes 0.00035 and 0.00066; ESP Exome Variant Server 0.00046; gnomAD 0.00055 and 0.00060; ExAC 0.00075.
gnomAD v4.1: 613 of 1,614,164 alleles (0.038%); highest among the groups gnomAD compares: South Asian, 0.16%; 4 homozygotes.

Submissions (5):

CeGaT Center for Human Genetics Tuebingen
Classification: Likely benign. Last evaluated: 2026-06-01. Review status: criteria provided, single submitter. Criteria: CeGaT Center For Human Genetics Tuebingen Variant Classification Criteria Version 2. Collection method: clinical testing. Allele origin: germline. Affected: yes. Observed: 3 variant alleles.
Comment: PINK1: BP4

Labcorp Genetics (formerly Invitae), Labcorp
Classification: Benign for Autosomal recessive early-onset Parkinson disease 6. Last evaluated: 2026-01-27. Review status: criteria provided, single submitter. Criteria: Invitae Variant Classification Sherloc (09022015). Collection method: clinical testing. Allele origin: germline.

GeneDx
Classification: Uncertain significance. Last evaluated: 2025-08-19. Review status: criteria provided, single submitter. Criteria: GeneDx Variant Classification Process June 2021. Collection method: clinical testing. Allele origin: germline.
Comment: In silico analysis suggests that this missense variant does not alter protein structure/function; This variant is associated with the following publications: (PMID: 34426522, 32740907, 33845304, 21412950, 23986421, 22644621, 16755580)

Revvity Omics, Revvity
Classification: Uncertain significance for Autosomal recessive early-onset Parkinson disease 6. Last evaluated: 2022-05-13. Review status: criteria provided, single submitter. Criteria: ACMG Guidelines, 2015. Collection method: clinical testing. Allele origin: germline.

Mendelics
Classification: Benign. Last evaluated: 2022-05-04. Review status: criteria provided, single submitter. Criteria: Mendelics Assertion Criteria 2019. Collection method: clinical testing. Allele origin: germline.